The following is an entry in ClinVar:

ClinVar aggregate classification (germline): Likely pathogenic (1 of 4 stars; one submission).

Conditions:
Spastic paraplegia-severe developmental delay-epilepsy syndrome. Also called: Spastic paraplegia and psychomotor retardation with or without seizures. Identifiers: Orphanet 464282, MedGen C4225215, MONDO:0014764, OMIM 616756.

Submission:

OLLIN Analises Genomicas, OLLIN
Classification: Likely pathogenic for Spastic paraplegia-severe developmental delay-epilepsy syndrome. Last evaluated: 2026-08-06. Review status: criteria provided, single submitter. Criteria: ACMG Guidelines 2015 PMID 25741868. Collection method: clinical testing. Allele origin: germline. Inheritance: Autosomal recessive inheritance.
Comment: This variant, has been observed in gnomAD with an allele frequency of 0.000068%, but has not been reported in ClinVar or identified in the literature. According to the currently available evidence, this variant has been classified as likely pathogenic (PVS1, PM2_P).

NM_020771.4(HACE1):c.1566+2_1566+4del

Gene: HACE1 (HECT domain and ankyrin repeat containing E3 ubiquitin protein ligase 1; minus strand). Cytogenetic location: 6q16.3.
Variant type: Deletion.
Coding change: c.1566+2_1566+4del on transcript NM_020771.4 (MANE Select); the canonical splice donor site of the intron after coding-DNA position 1566 through 4 bases into the intron after coding-DNA position 1566, 3 bases deleted (TAG; older notation c.1566+2_1566+4delTAG).
Molecular consequence: splice donor variant.
Genome position (GRCh38, 1-based): chr6:104,784,082-104,784,084, CTA deleted on the plus strand (TAG on the coding strand, the reverse complement: HACE1 is on the minus strand); deleting any 3 consecutive bases within chr6:104,784,082-104,784,085 gives the same sequence; the c. name uses the placement nearest the transcript's 3' end. VCF-style (leftmost placement, unchanged base first): chr6-104784081-TCTA-T. GRCh37 (hg19) VCF-style: chr6-105231956-TCTA-T.
Other names: c.1275+2_1275+4del (NM_001350555.2); c.783+2_783+4del (NM_001350560.2); c.1062+2_1062+4del (NM_001350557.2, NM_001350558.2, NM_001321084.2); c.1080+2_1080+4del (NM_001350556.2); c.984+2_984+4del (NM_001350559.2); c.1434+2_1434+4del (NM_001321080.2); c.1332+2_1332+4del (NM_001350554.2); c.1464+2_1464+4del (NM_001321083.2).
Identifiers: ClinVar variation 5003062 (VCV005003062.1).